The following is an entry in ClinVar:

NM_018127.7(ELAC2):c.1428AAG[1] (p.Arg477del)

Gene: ELAC2 (elaC ribonuclease Z 2; minus strand). Cytogenetic location: 17p12.
Variant type: Microsatellite.
Coding change: c.1428AAG[1] on transcript NM_018127.7 (MANE Select); one copy of the 3-base unit AAG starting at c.1428; the reference has two copies in a row; one copy, 3 bases deleted.
Protein change: p.Arg477del; deletes arginine 477.
Molecular consequence: inframe deletion.
Genome position (GRCh38, 1-based): chr17:12,998,499-12,998,501, CTT deleted on the plus strand (AAG on the coding strand, the reverse complement: ELAC2 is on the minus strand); deleting any 3 consecutive bases within chr17:12,998,499-12,998,504 gives the same sequence; the position shown is the placement nearest the transcript's 3' end. VCF-style (leftmost placement, unchanged base first): chr17-12998498-ACTT-A. GRCh37 (hg19) VCF-style: chr17-12901815-ACTT-A.
Other names: c.1308AAG[1], p.Arg437del (NM_001165962.2); c.1425AAG[1], p.Arg476del (NM_173717.2); c.1431_1433delAAG (NM_018127.6); short protein forms R437del, R476del, R477del.
Identifiers: ClinVar variation 1060188 (VCV001060188.6), dbSNP rs779224899, ClinGen allele CA8401198.
Genomic context (GRCh38, chr17:12,998,498, plus strand): 5'-ATTTCGAATCTTCATCGGGATGGCAGACCCTGTTCCAAGGAAGATGATTTCTGGGTACTG[ACTT>A]CTTTTCTCTGTGAAAAAATCCATGTGAAACAATCCATTCCTTTGGGTCAAAAGTGAGCCA-3'

ClinVar aggregate classification (germline): Uncertain significance. Review status: criteria provided, multiple submitters, no conflicts (2 of 4 stars). 2 submissions from 2 submitters: Uncertain significance (2). Last evaluated 2025-01-06.

Conditions:
Inborn genetic diseases. Identifiers: MedGen C0950123, MeSH D030342.
Combined oxidative phosphorylation defect type 17. Also called: Combined oxidative phosphorylation deficiency 17. Identifiers: Orphanet 369913, MedGen C3809526, MONDO:0014190, OMIM 615440.

Submissions (2):

Labcorp Genetics (formerly Invitae), Labcorp
Classification: Uncertain significance for Combined oxidative phosphorylation defect type 17. Last evaluated: 2025-01-06. Review status: criteria provided, single submitter. Criteria: Invitae Variant Classification Sherloc (09022015). Collection method: clinical testing. Allele origin: germline.
Comment: This variant, c.1431_1433del, results in the deletion of 1 amino acid(s) of the ELAC2 protein (p.Arg477del), but otherwise preserves the integrity of the reading frame. This variant is present in population databases (rs779224899, gnomAD 0.004%). This variant has not been reported in the literature in individuals affected with ELAC2-related conditions. Experimental studies and prediction algorithms are not available or were not evaluated, and the functional significance of this variant is currently unknown. In summary, the available evidence is currently insufficient to determine the role of this variant in disease. Therefore, it has been classified as a Variant of Uncertain Significance.

Ambry Genetics
Classification: Uncertain significance for Inborn genetic diseases. Last evaluated: 2021-12-07. Review status: criteria provided, single submitter. Criteria: Ambry Variant Classification Scheme 2023. Collection method: clinical testing. Allele origin: germline.
Comment: The c.1431_1433delAAG (p.R477del) alteration is located in exon 16 (coding exon 16) of the ELAC2 gene. This alteration consists of an in-frame deletion of 3 nucleotides between nucleotide positions c.1431 and c.1433, resulting in the deletion of 1 residue. Based on insufficient or conflicting evidence, the clinical significance of this alteration remains unclear.